The following is an entry in ClinVar:

NM_015443.4(KANSL1):c.3193C>G (p.Arg1065Gly)

Gene: KANSL1 (KAT8 regulatory NSL complex subunit 1). Cytogenetic location: 17q21.31.
Variant type: single nucleotide variant.
Coding change: c.3193C>G on transcript NM_015443.4 (MANE Select); coding-DNA position 3193, C replaced by G.
Protein change: p.Arg1065Gly; replaces arginine 1065 with glycine.
Molecular consequence: missense variant.
Genome position (GRCh38, 1-based): chr17:46,031,601, G>C on the plus strand (C>G on the coding strand, the complement: KANSL1 is on the minus strand). VCF-style: chr17-46031601-G-C. GRCh37 (hg19) VCF-style: chr17-44108967-G-C.
Other names: c.3190C>G, p.Arg1064Gly (NM_001193465.2); c.3193C>G, p.Arg1065Gly (NM_001193466.2, NM_001379198.1); short protein forms R1065G, R1064G.
Identifiers: ClinVar variation 1521526 (VCV001521526.8), dbSNP rs2146300587, ClinGen allele CA399985976.

ClinVar aggregate classification (germline): Uncertain significance (1 of 4 stars; one submission).

Conditions:
Koolen-de Vries syndrome (KDVS). Identifiers: Orphanet 96169, MedGen C1864871, MONDO:0012496, OMIM 610443.

gnomAD v4.1: 1 of 1,614,114 alleles (0.000062%); highest among the groups gnomAD compares: Non-Finnish European, 0.000085%; no homozygotes.

Submission:

Labcorp Genetics (formerly Invitae), Labcorp
Classification: Uncertain significance for Koolen-de Vries syndrome. Last evaluated: 2021-04-04. Review status: criteria provided, single submitter. Criteria: Invitae Variant Classification Sherloc (09022015). Collection method: clinical testing. Allele origin: germline.
Comment: In summary, the available evidence is currently insufficient to determine the role of this variant in disease. Therefore, it has been classified as a Variant of Uncertain Significance. Algorithms developed to predict the effect of missense changes on protein structure and function are either unavailable or do not agree on the potential impact of this missense change (SIFT: "Tolerated"; PolyPhen-2: "Probably Damaging"; Align-GVGD: "Class C0"). This variant has not been reported in the literature in individuals with KANSL1-related conditions. This variant is not present in population databases (ExAC no frequency). This sequence change replaces arginine with glycine at codon 1065 of the KANSL1 protein (p.Arg1065Gly). The arginine residue is highly conserved and there is a moderate physicochemical difference between arginine and glycine.